The following is an entry in ClinVar:

ClinVar aggregate classification (germline): Uncertain significance (1 of 4 stars; one submission).

Submission:

Labcorp Genetics (formerly Invitae), Labcorp
Classification: Uncertain significance. Last evaluated: 2023-04-16. Review status: criteria provided, single submitter. Criteria: Invitae Variant Classification Sherloc (09022015). Collection method: clinical testing. Allele origin: germline.
Comment: In summary, the available evidence is currently insufficient to determine the role of this variant in disease. Therefore, it has been classified as a Variant of Uncertain Significance. Advanced modeling of protein sequence and biophysical properties (such as structural, functional, and spatial information, amino acid conservation, physicochemical variation, residue mobility, and thermodynamic stability) has been performed at Invitae for this missense variant, however the output from this modeling did not meet the statistical confidence thresholds required to predict the impact of this variant on PIEZO2 protein function. This variant has not been reported in the literature in individuals affected with PIEZO2-related conditions. This variant is not present in population databases (gnomAD no frequency). This sequence change replaces lysine, which is basic and polar, with glutamine, which is neutral and polar, at codon 2683 of the PIEZO2 protein (p.Lys2683Gln).

NM_001378183.1(PIEZO2):c.8386A>C (p.Lys2796Gln)

Gene: PIEZO2 (piezo type mechanosensitive ion channel component 2; minus strand). Cytogenetic location: 18p11.22.
Variant type: single nucleotide variant.
Coding change: c.8386A>C on transcript NM_001378183.1 (MANE Select); coding-DNA position 8386, A replaced by C.
Protein change: p.Lys2796Gln; replaces lysine 2796 with glutamine.
Molecular consequence: missense variant.
Genome position (GRCh38, 1-based): chr18:10,671,739, T>G on the plus strand (A>C on the coding strand, the complement: PIEZO2 is on the minus strand). VCF-style: chr18-10671739-T-G. GRCh37 (hg19) VCF-style: chr18-10671736-T-G.
Other names: c.8122A>C, p.Lys2708Gln (NM_001410871.1); c.8047A>C, p.Lys2683Gln (NM_022068.4); short protein forms K2708Q, K2796Q, K2683Q.
Identifiers: ClinVar variation 2856755 (VCV002856755.3), dbSNP rs2033787153, ClinGen allele CA401912199.